The following is an entry in ClinVar:

NM_207352.4(CYP4V2):c.101T>C (p.Leu34Pro)

Gene: CYP4V2 (cytochrome P450 family 4 subfamily V member 2; plus strand). Cytogenetic location: 4q35.1.
Variant type: single nucleotide variant.
Coding change: c.101T>C on transcript NM_207352.4 (MANE Select); coding-DNA position 101, T replaced by C.
Protein change: p.Leu34Pro; replaces leucine 34 with proline.
Molecular consequence: missense variant.
Genome position (GRCh38, 1-based): chr4:186,191,924, T>C. VCF-style: chr4-186191924-T-C. GRCh37 (hg19) VCF-style: chr4-187113078-T-C.
Other names: short protein forms L34P.
Identifiers: ClinVar variation 1039696 (VCV001039696.8), dbSNP rs1735996924, ClinGen allele CA358946550.

ClinVar aggregate classification (germline): Uncertain significance (1 of 4 stars; one submission).

Submission:

Labcorp Genetics (formerly Invitae), Labcorp
Classification: Uncertain significance. Last evaluated: 2020-09-18. Review status: criteria provided, single submitter. Criteria: Invitae Variant Classification Sherloc (09022015). Collection method: clinical testing. Allele origin: germline.
Comment: In summary, the available evidence is currently insufficient to determine the role of this variant in disease. Therefore, it has been classified as a Variant of Uncertain Significance. Experimental studies and prediction algorithms are not available or were not evaluated, and the functional significance of this variant is currently unknown. This variant has not been reported in the literature in individuals with CYP4V2-related conditions. This variant is not present in population databases (ExAC no frequency). This sequence change replaces leucine with proline at codon 34 of the CYP4V2 protein (p.Leu34Pro). The leucine residue is moderately conserved and there is a moderate physicochemical difference between leucine and proline.